The following is an entry in ClinVar:

ClinVar aggregate classification (germline): Uncertain significance (1 of 4 stars; one submission).

Submission:

Dasa
Classification: Uncertain significance. Last evaluated: 2025-04-24. Review status: criteria provided, single submitter. Criteria: DASA Assertion Criteria. Collection method: clinical testing. Allele origin: germline.
Comment: NM_001099922.3(ALG13):c.371A>C (p.Tyr124Ser) is a missense variant that results in the substitution of tyrosine with serine. This variant is absent from population databases. The currently available literature and clinical evidence are not sufficient to establish a definitive association between this variant and the reported condition. Therefore, this variant is classified as a variant of uncertain significance.

NM_001099922.3(ALG13):c.371A>C (p.Tyr124Ser)

Gene: ALG13 (ALG13 UDP-N-acetylglucosaminyltransferase subunit; plus strand). Cytogenetic location: Xq23.
Variant type: single nucleotide variant.
Coding change: c.371A>C on transcript NM_001099922.3 (MANE Select); coding-DNA position 371, A replaced by C.
Protein change: p.Tyr124Ser; replaces tyrosine 124 with serine.
Molecular consequence: missense variant. On other transcripts: synonymous variant (1), non-coding transcript variant (3).
Genome position (GRCh38, 1-based): chrX:111,685,091, A>C. VCF-style: chrX-111685091-A-C. GRCh37 (hg19) VCF-style: chrX-110928319-A-C.
Other names: c.312A>C, p.Leu104= (NM_001039210.5); c.371A>C, p.Tyr124Ser (NM_001168385.3, NM_001324292.2, NM_018466.6); c.59A>C, p.Tyr20Ser (NM_001257230.2, NM_001257234.2, NM_001257235.3 and 6 more transcripts); c.137A>C, p.Tyr46Ser (NM_001257231.2, NM_001257241.3); c.377A>C, p.Tyr126Ser (NM_001324290.2); short protein forms Y124S, Y126S, Y20S, Y46S.
Identifiers: ClinVar variation 4882417 (VCV004882417.2).
Genomic context (GRCh38, chrX:111,685,091, plus strand): 5'-TGATGAACAATCATCAGCTGGAACTGGCAAAGCAGCTACACAAAGAGGGTCATCTCTTCT[A>C]TTGTACCTGCAGGTATGCTAGAGACTGATTATTATTATCTCTTGCCTTAATTCGTCCCTT-3'
Protein context (NP_001093392.1, residues 114-134): KQLHKEGHLF[Tyr124Ser]CTCRVLTCPG